The following is an entry in ClinVar:

ClinVar aggregate classification (germline): Pathogenic (1 of 4 stars; one submission).

Conditions:
Intellectual developmental disorder, X-linked, syndromic 37. Identifiers: MedGen C5935567, MONDO:0958322, OMIM 301118.

Submission:

Institute for Genomic Medicine, Nationwide Children's Hospital
Classification: Pathogenic for Intellectual developmental disorder, X-linked, syndromic 37. Last evaluated: 2024-10-28. Review status: criteria provided, single submitter. Criteria: ACMG Guidelines, 2015. Collection method: research. Allele origin: de novo. Inheritance: Autosomal dominant inheritance. Affected: yes. Observed: 1 variant allele.
Comment: It is predicted to truncate the encoded protein by ~17% and would remove the key C-terminal DNA binding domains (Ni et al, 2020). Loss-of-function variants in ZFX are an established mechanism of disease and this specific change was observed in a previously published patient (Patient 13, Shepherdson et al, 2024). The p.Met666Valfs*2 variant is absent from large population databases of human genetic variation (gnomAD v4.1, RGC-ME, and All Of Us). We interpret it as a Pathogenic variant.

Literature cited by the submitters: PubMed 38325380; PubMed 32406922.

NM_003410.4(ZFX):c.1996_1997del (p.Met666fs)

Gene: ZFX (zinc finger protein X-linked; plus strand). Cytogenetic location: Xp22.11.
Variant type: Deletion.
Coding change: c.1996_1997del on transcript NM_003410.4 (MANE Select); coding-DNA positions 1996 to 1997, 2 bases deleted (AT; older notation c.1996_1997delAT).
Protein change: p.Met666fs; shifts the reading frame from methionine 666.
Molecular consequence: frameshift variant. On other transcripts: 3 prime UTR variant (1).
Genome position (GRCh38, 1-based): chrX:24,210,954-24,210,955, AT deleted. VCF-style (leftmost placement, unchanged base first): chrX-24210953-CAT-C. GRCh37 (hg19) VCF-style: chrX-24229070-CAT-C.
Other names: c.1996_1997del, p.Met666fs (NM_001178084.2, NM_001178085.1); c.1309_1310del, p.Met437fs (NM_001178086.2); c.*756_*757del (NM_001178095.2); c.2113_2114del, p.Met705fs (NM_001330327.2); short protein forms M437fs, M666fs, M705fs.
Identifiers: ClinVar variation 3367188 (VCV003367188.1).